The following is an entry in ClinVar:

ClinVar aggregate classification (germline): Uncertain significance (1 of 4 stars; one submission).

Conditions:
Hereditary cancer-predisposing syndrome. Also called: Hereditary Cancer Syndrome; Hereditary neoplastic syndrome; Neoplastic Syndromes, Hereditary; Tumor predisposition. Identifiers: Orphanet 140162, MedGen C0027672, MeSH D009386, MONDO:0015356.

Submission:

Ambry Genetics
Classification: Uncertain significance for Hereditary cancer-predisposing syndrome. Last evaluated: 2025-03-16. Review status: criteria provided, single submitter. Criteria: Ambry Variant Classification Scheme 2023. Collection method: clinical testing. Allele origin: germline.
Comment: The p.G752D variant (also known as c.2255G>A), located in coding exon 4 of the MSH6 gene, results from a G to A substitution at nucleotide position 2255. The glycine at codon 752 is replaced by aspartic acid, an amino acid with similar properties. This amino acid position is conserved. In addition, this alteration is predicted to be deleterious by in silico analysis. Based on the available evidence, the clinical significance of this variant remains unclear.

NM_000179.3(MSH6):c.2255G>A (p.Gly752Asp)

Gene: MSH6 (mutS homolog 6; plus strand). Cytogenetic location: 2p16.3.
Variant type: single nucleotide variant.
Coding change: c.2255G>A on transcript NM_000179.3 (MANE Select); coding-DNA position 2255, G replaced by A.
Protein change: p.Gly752Asp; replaces glycine 752 with aspartic acid.
Molecular consequence: missense variant. On other transcripts: non-coding transcript variant (5), intron variant (2).
Genome position (GRCh38, 1-based): chr2:47,800,238, G>A. VCF-style: chr2-47800238-G-A. GRCh37 (hg19) VCF-style: chr2-48027377-G-A.
Other names: c.1958G>A, p.Gly653Asp (NM_001406827.1, NM_001406828.1, NM_001406830.1 and 10 more transcripts); c.1349G>A, p.Gly450Asp (NM_001406829.1, NM_001281493.2, NM_001281494.2 and 6 more transcripts); c.1606+649G>A (NM_001406817.1); c.628-428G>A (NM_001407362.1); c.1865G>A, p.Gly622Asp (NM_001281492.2); c.2351G>A, p.Gly784Asp (NM_001406795.1, NM_001406802.1); c.2255G>A, p.Gly752Asp (NM_001406796.1, NM_001406798.1, NM_001406800.1 and 3 more transcripts); c.1730G>A, p.Gly577Asp (NM_001406799.1, NM_001406806.1, NM_001406807.1); and 3 more; short protein forms G577D, G622D, G752D, G754D, G450D, G653D, G726D, G784D.
Identifiers: ClinVar variation 3913724 (VCV003913724.1).